The following is an entry in ClinVar:

ClinVar aggregate classification (germline): Uncertain significance. Review status: criteria provided, multiple submitters, no conflicts (2 of 4 stars). 2 submissions from 2 submitters: Uncertain significance (2). Last evaluated 2022-06-16.

Conditions:
Alagille syndrome due to a JAG1 point mutation. Also called: HEPATIC DUCTULAR HYPOPLASIA, SYNDROMATIC; JAG1-Related Alagille Syndrome; Alagille Syndrome 1. Identifiers: Orphanet 261619, Orphanet 52, MedGen C1956125, MONDO:0016862, OMIM 118450.

Allele frequency attached by ClinVar (database versions not stated): TOPMed below 0.00001.

Submissions (2):

Labcorp Genetics (formerly Invitae), Labcorp
Classification: Uncertain significance for Alagille syndrome due to a JAG1 point mutation. Last evaluated: 2022-06-16. Review status: criteria provided, single submitter. Criteria: Invitae Variant Classification Sherloc (09022015). Collection method: clinical testing. Allele origin: germline.
Comment: In summary, the available evidence is currently insufficient to determine the role of this variant in disease. Therefore, it has been classified as a Variant of Uncertain Significance. Advanced modeling of protein sequence and biophysical properties (such as structural, functional, and spatial information, amino acid conservation, physicochemical variation, residue mobility, and thermodynamic stability) performed at Invitae indicates that this missense variant is expected to disrupt JAG1 protein function. This missense change has been observed in individual(s) with clinical features of JAG1-related conditions (PMID: 21752016). This variant is not present in population databases (gnomAD no frequency). This sequence change replaces cysteine, which is neutral and slightly polar, with tyrosine, which is neutral and polar, at codon 691 of the JAG1 protein (p.Cys691Tyr).

Illumina Laboratory Services, Illumina
Classification: Uncertain significance for Alagille syndrome due to a JAG1 point mutation. Last evaluated: 2022-02-25. Review status: criteria provided, single submitter. Criteria: ICSLVariantClassificationCriteria RUGD 01 April 2020. Collection method: clinical testing. Allele origin: unknown.
Comment: The JAG1 c.2072G>A (p.Cys691Tyr) missense variant results in the substitution of cysteine at amino acid position 691 with tyrosine. This variant has been reported in a presumed de novo state in one patient in the literature who was part of a cohort of individuals with at least one clinical feature of Alagille syndrome. However, the specific clinical features present in this particular individual was not provided (Guegan et al. 2012). A different amino acid change at this codon, p.Cys691Ser, has also been reported in the literature in one individual with cholestasis, skeletal abnormalities, and a characteristic face (Li et al. 2015). Multiple lines of computational evidence suggest that this variant may have a deleterious effect on the gene or gene product. This variant is not found in version 2.1.1 or version 3.1.2 of the Genome Aggregation Database. Based on the available evidence, the c.2072G>A (p.Cys691Tyr) variant is classified as a variant of uncertain significance for Alagille syndrome.

Literature cited by the submitters: PubMed 21752016 (cited by Labcorp Genetics (formerly Invitae), Labcorp and Illumina Laboratory Services, Illumina); PubMed 26076142 (cited by Illumina Laboratory Services, Illumina).

NM_000214.3(JAG1):c.2072G>A (p.Cys691Tyr)

Gene: JAG1 (jagged canonical Notch ligand 1; minus strand). Cytogenetic location: 20p12.2.
Variant type: single nucleotide variant.
Coding change: c.2072G>A on transcript NM_000214.3 (MANE Select); coding-DNA position 2072, G replaced by A.
Protein change: p.Cys691Tyr; replaces cysteine 691 with tyrosine.
Molecular consequence: missense variant.
Genome position (GRCh38, 1-based): chr20:10,645,397, C>T on the plus strand (G>A on the coding strand, the complement: JAG1 is on the minus strand). VCF-style: chr20-10645397-C-T. GRCh37 (hg19) VCF-style: chr20-10626045-C-T.
Other names: short protein forms C691Y.
Identifiers: ClinVar variation 1693298 (VCV001693298.8), dbSNP rs1555828246, ClinGen allele CA324750.